The following is an entry in ClinVar:

ClinVar aggregate classification (germline): Uncertain significance (1 of 4 stars; one submission).

Submission:

GeneDx
Classification: Uncertain significance. Last evaluated: 2026-04-24. Review status: criteria provided, single submitter. Criteria: GeneDx Variant Classification Process June 2021. Collection method: clinical testing. Allele origin: germline.
Comment: Not observed at significant frequency in large population cohorts (gnomAD); In silico analysis suggests that this missense variant does not alter protein structure/function; Has not been previously published as pathogenic or benign to our knowledge

NM_015559.3(SETBP1):c.2406G>T (p.Leu802Phe)

Gene: SETBP1 (SET binding protein 1; plus strand). Cytogenetic location: 18q12.3.
Variant type: single nucleotide variant.
Coding change: c.2406G>T on transcript NM_015559.3 (MANE Select); coding-DNA position 2406, G replaced by T.
Protein change: p.Leu802Phe; replaces leucine 802 with phenylalanine.
Molecular consequence: missense variant.
Genome position (GRCh38, 1-based): chr18:44,951,746, G>T. VCF-style: chr18-44951746-G-T. GRCh37 (hg19) VCF-style: chr18-42531711-G-T.
Other names: c.2406G>T, p.Leu802Phe (NM_001379141.1, NM_001379142.1, NM_001410862.1); short protein forms L802F.
Identifiers: ClinVar variation 5037571 (VCV005037571.1).